The following is an entry in ClinVar:

ClinVar aggregate classification (germline): Uncertain significance (1 of 4 stars; one submission).

gnomAD v4.1: 1 of 1,607,730 alleles (0.000062%); highest among the groups gnomAD compares: Non-Finnish European, 0.000085%; no homozygotes.

Submission:

Dasa
Classification: Uncertain significance. Last evaluated: 2025-09-15. Review status: criteria provided, single submitter. Criteria: DASA Assertion Criteria. Collection method: clinical testing. Allele origin: germline.
Comment: NM_004826.4(ECEL1):c.598C>A (p.Pro200Thr) is a missense variant that results in the substitution of proline with threonine. This variant has been observed in affected individuals with ECEL1-related disorders. Also, this variant is rare in population databases. Computational prediction algorithms are consistent with a deleterious effect. The currently available literature and clinical evidence are not sufficient to establish a definitive association between this variant and the reported condition. Therefore, this variant is classified as a variant of uncertain significance.

NM_004826.4(ECEL1):c.598C>A (p.Pro200Thr)

Gene: ECEL1 (endothelin converting enzyme like 1; minus strand). Cytogenetic location: 2q37.1.
Variant type: single nucleotide variant.
Coding change: c.598C>A on transcript NM_004826.4 (MANE Select); coding-DNA position 598, C replaced by A.
Protein change: p.Pro200Thr; replaces proline 200 with threonine.
Molecular consequence: missense variant.
Genome position (GRCh38, 1-based): chr2:232,486,056, G>T on the plus strand (C>A on the coding strand, the complement: ECEL1 is on the minus strand). VCF-style: chr2-232486056-G-T. GRCh37 (hg19) VCF-style: chr2-233350766-G-T.
Other names: c.598C>A, p.Pro200Thr (NM_001290787.2); short protein forms P200T.
Identifiers: ClinVar variation 4885306 (VCV004885306.2).